The following is an entry in ClinVar:

NM_001101.5(ACTB):c.220G>A (p.Gly74Ser)

Gene: ACTB (actin beta; minus strand). Cytogenetic location: 7p22.1.
Variant type: single nucleotide variant.
Coding change: c.220G>A on transcript NM_001101.5 (MANE Select); coding-DNA position 220, G replaced by A.
Protein change: p.Gly74Ser; replaces glycine 74 with serine.
Molecular consequence: missense variant.
Genome position (GRCh38, 1-based): chr7:5,529,304, C>T on the plus strand (G>A on the coding strand, the complement: ACTB is on the minus strand). VCF-style: chr7-5529304-C-T. GRCh37 (hg19) VCF-style: chr7-5568935-C-T.
Other names: c.220G>A, p.Gly74Ser (LRG_132t1); short protein forms G74S.
Identifiers: ClinVar variation 127163 (VCV000127163.10), dbSNP rs587779770, ClinGen allele CA345767.

ClinVar aggregate classification (germline): Pathogenic/Likely pathogenic. Review status: criteria provided, multiple submitters, no conflicts (2 of 4 stars). 3 submissions from 3 submitters: Pathogenic (1); Likely pathogenic (1). 1 of the submissions does not count toward it. Last evaluated 2026-10-09.

Conditions:
Baraitser-Winter syndrome 1 (BRWS1). Also called: BARAITSER-WINTER SYNDROME 1, ATYPICAL; Cerebrofrontofacial syndrome; PACHYGYRIA, MENTAL RETARDATION, EPILEPSY, AND CHARACTERISTIC FACIES; MENTAL RETARDATION WITH EPILEPSY AND CHARACTERISTIC FACIES. Identifiers: Orphanet 2649, Orphanet 2995, MedGen C1855722, MONDO:0009470, OMIM 243310.

Submissions (3):

GeneDx
Classification: Pathogenic. Last evaluated: 2026-10-09. Review status: criteria provided, single submitter. Criteria: GeneDx Variant Classification Process June 2021. Collection method: clinical testing. Allele origin: germline.
Comment: Not observed at significant frequency in large population cohorts (gnomAD); Missense variants in this gene are a common cause of disease and they are underrepresented in the general population; In silico analysis supports that this missense variant has a deleterious effect on protein structure/function; This variant is associated with the following publications: (PMID: 34752068, 41142113, 40490999, 25052316, 23756437, 26583190, Namiranian_2015_Article)

Labcorp Genetics (formerly Invitae), Labcorp
Classification: Likely pathogenic for Baraitser-Winter syndrome 1. Last evaluated: 2020-07-31. Review status: criteria provided, single submitter. Criteria: Invitae Variant Classification Sherloc (09022015). Collection method: clinical testing. Allele origin: germline.
Comment: This variant has been observed in individual(s) with Baraitser–Winter cerebrofrontofacial syndrome (PMID: 23756437, 25052316). In at least one individual the variant was observed to be de novo. ClinVar contains an entry for this variant (Variation ID: 127163). Algorithms developed to predict the effect of missense changes on protein structure and function (SIFT, PolyPhen-2, Align-GVGD) all suggest that this variant is likely to be disruptive, but these predictions have not been confirmed by published functional studies and their clinical significance is uncertain. In summary, the currently available evidence indicates that the variant is pathogenic, but additional data are needed to prove that conclusively. Therefore, this variant has been classified as Likely Pathogenic. This sequence change replaces glycine with serine at codon 74 of the ACTB protein (p.Gly74Ser). The glycine residue is highly conserved and there is a small physicochemical difference between glycine and serine. This variant is not present in population databases (ExAC no frequency).

Department of Genetics, Robert DEBRE University Hospital
Classification: Pathogenic for Iris coloboma with ptosis, hypertelorism, and mental retardation. Last evaluated: 2014-04-15. Review status: no assertion criteria provided. Collection method: clinical testing. Allele origin: germline. Affected: yes. Observed: 2 variant alleles. Not counted in ClinVar's aggregate classification.

Literature cited by the submitters: PubMed 23756437 (cited by Labcorp Genetics (formerly Invitae), Labcorp); PubMed 25052316 (cited by Labcorp Genetics (formerly Invitae), Labcorp and Department of Genetics, Robert DEBRE University Hospital).